The following is an entry in ClinVar:

ClinVar aggregate classification (germline): Uncertain significance (1 of 4 stars; one submission).

Conditions:
Primary ciliary dyskinesia. Also called: Ciliary dyskinesia. Identifiers: Orphanet 244, MedGen C0008780, MONDO:0016575, HP:0012265.

Allele frequency attached by ClinVar (database versions not stated): gnomAD exomes below 0.00001; gnomAD 0.00001 and 0.00002; TOPMed 0.00001.
gnomAD v4.1: 4 of 1,613,668 alleles (0.00025%); highest among the groups gnomAD compares: African/African-American, 0.0053%; no homozygotes.

Submission:

Labcorp Genetics (formerly Invitae), Labcorp
Classification: Uncertain significance for Primary ciliary dyskinesia. Last evaluated: 2022-07-05. Review status: criteria provided, single submitter. Criteria: Invitae Variant Classification Sherloc (09022015). Collection method: clinical testing. Allele origin: germline.
Comment: This sequence change falls in intron 1 of the DNAI1 gene. It does not directly change the encoded amino acid sequence of the DNAI1 protein. It affects a nucleotide within the consensus splice site. This variant is present in population databases (no rsID available, gnomAD 0.008%). This variant has not been reported in the literature in individuals affected with DNAI1-related conditions. ClinVar contains an entry for this variant (Variation ID: 583142). Variants that disrupt the consensus splice site are a relatively common cause of aberrant splicing (PMID: 17576681, 9536098). Algorithms developed to predict the effect of sequence changes on RNA splicing suggest that this variant is not likely to affect RNA splicing. In summary, the available evidence is currently insufficient to determine the role of this variant in disease. Therefore, it has been classified as a Variant of Uncertain Significance.

Literature cited by the submitters: PubMed 17576681; PubMed 9536098.

NM_012144.4(DNAI1):c.48+6G>C

Gene: DNAI1 (dynein axonemal intermediate chain 1; plus strand). Cytogenetic location: 9p13.3.
Variant type: single nucleotide variant.
Coding change: c.48+6G>C on transcript NM_012144.4 (MANE Select); 6 bases into the intron after coding-DNA position 48, G replaced by C.
Molecular consequence: intron variant.
Genome position (GRCh38, 1-based): chr9:34,459,059, G>C. VCF-style: chr9-34459059-G-C. GRCh37 (hg19) VCF-style: chr9-34459057-G-C.
Other names: c.48+6G>C (NM_001281428.2).
Identifiers: ClinVar variation 583142 (VCV000583142.6), dbSNP rs962155265, ClinGen allele CA192652489.